The following is an entry in ClinVar:

NM_001388492.1(HTT):c.2727T>C (p.Asn909=)

Gene: HTT (huntingtin; plus strand). Cytogenetic location: 4p16.3.
Variant type: single nucleotide variant.
Coding change: c.2727T>C on transcript NM_001388492.1 (MANE Select); coding-DNA position 2727, T replaced by C.
Protein change: p.Asn909=; no amino-acid change (asparagine 909 retained).
Molecular consequence: synonymous variant.
Genome position (GRCh38, 1-based): chr4:3,136,255, T>C. VCF-style: chr4-3136255-T-C. GRCh37 (hg19) VCF-style: chr4-3137982-T-C.
Other names: c.2733T>C, p.Asn911= (NM_002111.8).
Identifiers: ClinVar variation 3031160 (VCV003031160.1), dbSNP rs2475996083, ClinGen allele CA438122713.

ClinVar aggregate classification (germline): Likely benign (1 of 4 stars; one submission).

Conditions:
HTT-related disorder. Also called: HTT-related condition.

Submission:

PreventionGenetics, part of Exact Sciences
Classification: Likely benign for HTT-related condition. Last evaluated: 2020-11-12. Review status: criteria provided, single submitter. Criteria: ACMG Guidelines, 2015. Collection method: clinical testing. Allele origin: germline.
Comment: This variant is classified as likely benign based on ACMG/AMP sequence variant interpretation guidelines (Richards et al. 2015 PMID: 25741868, with internal and published modifications).